The following is an entry in ClinVar:

NM_001148.6(ANK2):c.8519C>T (p.Pro2840Leu)

Gene: ANK2 (ankyrin 2; plus strand). Cytogenetic location: 4q26.
Variant type: single nucleotide variant.
Coding change: c.8519C>T on transcript NM_001148.6 (MANE Select); coding-DNA position 8519, C replaced by T.
Protein change: p.Pro2840Leu; replaces proline 2840 with leucine.
Molecular consequence: missense variant. On other transcripts: intron variant (68).
Genome position (GRCh38, 1-based): chr4:113,357,137, C>T. VCF-style: chr4-113357137-C-T. GRCh37 (hg19) VCF-style: chr4-114278293-C-T.
Other names: c.8285C>T, p.Pro2762Leu (NM_001386142.1); c.4919C>T, p.Pro1640Leu (NM_001386166.1); c.8660C>T, p.Pro2887Leu (NM_001386174.1); c.8636C>T, p.Pro2879Leu (NM_001386175.1); c.4412-3686C>T (NM_001386186.2, NM_001386148.2); c.4214-3686C>T (NM_001354269.3); c.4292-3686C>T (NM_001386187.2); c.4253-3686C>T (NM_001386147.1); and 35 more; short protein forms P2879L, P2887L, P2762L, P2840L, P1640L.
Identifiers: ClinVar variation 1485728 (VCV001485728.6), dbSNP rs2095839218, ClinGen allele CA357934234.

ClinVar aggregate classification (germline): Uncertain significance (1 of 4 stars; one submission).

Conditions:
Long QT syndrome (LQTS). Identifiers: MedGen C0023976, MeSH D008133, MONDO:0002442. Disease mechanism: loss of function. Inheritance: Various modes of inheritance.

Allele frequency attached by ClinVar (database versions not stated): gnomAD 0.00001.
gnomAD v4.1: 3 of 1,613,942 alleles (0.00019%); highest among the groups gnomAD compares: South Asian, 0.0033%; no homozygotes.

Submission:

Labcorp Genetics (formerly Invitae), Labcorp
Classification: Uncertain significance for Long QT syndrome. Last evaluated: 2022-07-11. Review status: criteria provided, single submitter. Criteria: Invitae Variant Classification Sherloc (09022015). Collection method: clinical testing. Allele origin: germline.
Comment: This sequence change replaces proline, which is neutral and non-polar, with leucine, which is neutral and non-polar, at codon 2840 of the ANK2 protein (p.Pro2840Leu). In summary, the available evidence is currently insufficient to determine the role of this variant in disease. Therefore, it has been classified as a Variant of Uncertain Significance. Algorithms developed to predict the effect of missense changes on protein structure and function (SIFT, PolyPhen-2, Align-GVGD) all suggest that this variant is likely to be tolerated. ClinVar contains an entry for this variant (Variation ID: 1485728). This variant has not been reported in the literature in individuals affected with ANK2-related conditions. This variant is not present in population databases (gnomAD no frequency).